The following is an entry in ClinVar:

ClinVar aggregate classification (germline): Uncertain significance (1 of 4 stars; one submission).

Conditions:
Familial sleep-related hypermotor epilepsy. Also called: Autosomal Dominant Sleep-Related Hypermotor (Hyperkinetic) Epilepsy. Identifiers: Orphanet 98784, MedGen C3696898, MONDO:0000030.

gnomAD v4.1: 15 of 1,613,596 alleles (0.00093%); highest among the groups gnomAD compares: African/African-American, 0.0013%; no homozygotes.

Submission:

Labcorp Genetics (formerly Invitae), Labcorp
Classification: Uncertain significance. Last evaluated: 2025-09-10. Review status: criteria provided, single submitter. Criteria: Invitae Variant Classification Sherloc (09022015). Collection method: clinical testing. Allele origin: germline.
Comment: This sequence change replaces tyrosine, which is neutral and polar, with cysteine, which is neutral and slightly polar, at codon 246 of the CHRNA4 protein (p.Tyr246Cys). This variant is present in population databases (rs374072103, gnomAD 0.0009%). This variant has not been reported in the literature in individuals affected with CHRNA4-related conditions. Invitae Evidence Modeling of protein sequence and biophysical properties (such as structural, functional, and spatial information, amino acid conservation, physicochemical variation, residue mobility, and thermodynamic stability) indicates that this missense variant is expected to disrupt CHRNA4 protein function with a positive predictive value of 80%. In summary, the available evidence is currently insufficient to determine the role of this variant in disease. Therefore, it has been classified as a Variant of Uncertain Significance.

NM_000744.7(CHRNA4):c.737A>G (p.Tyr246Cys)

Gene: CHRNA4 (cholinergic receptor nicotinic alpha 4 subunit; minus strand). Cytogenetic location: 20q13.33.
Variant type: single nucleotide variant.
Coding change: c.737A>G on transcript NM_000744.7 (MANE Select); coding-DNA position 737, A replaced by G.
Protein change: p.Tyr246Cys; replaces tyrosine 246 with cysteine.
Molecular consequence: missense variant. On other transcripts: non-coding transcript variant (1).
Genome position (GRCh38, 1-based): chr20:63,350,674, T>C on the plus strand (A>G on the coding strand, the complement: CHRNA4 is on the minus strand). VCF-style: chr20-63350674-T-C. GRCh37 (hg19) VCF-style: chr20-61982026-T-C.
Other names: c.209A>G, p.Tyr70Cys (NM_001256573.2); short protein forms Y70C, Y246C.
Identifiers: ClinVar variation 4706300 (VCV004706300.1).